The following is an entry in ClinVar:

ClinVar aggregate classification (germline): Uncertain significance. Review status: criteria provided, multiple submitters, no conflicts (2 of 4 stars). 2 submissions from 2 submitters: Uncertain significance (2). Last evaluated 2025-10-03.

Conditions:
Hereditary cancer-predisposing syndrome. Also called: Tumor predisposition; Hereditary neoplastic syndrome; Neoplastic Syndromes, Hereditary; Hereditary Cancer Syndrome. Identifiers: Orphanet 140162, MedGen C0027672, MeSH D009386, MONDO:0015356.

Allele frequency attached by ClinVar (database versions not stated): gnomAD exomes below 0.00001.
gnomAD v4.1: 1 of 1,611,972 alleles (0.000062%); no homozygotes.

Submissions (2):

Ambry Genetics
Classification: Uncertain significance for Hereditary cancer-predisposing syndrome. Last evaluated: 2025-10-03. Review status: criteria provided, single submitter. Criteria: Ambry Variant Classification Scheme 2023. Collection method: clinical testing. Allele origin: germline.
Comment: The p.S1153N variant (also known as c.3458G>A), located in coding exon 22 of the RAD50 gene, results from a G to A substitution at nucleotide position 3458. The serine at codon 1153 is replaced by asparagine, an amino acid with highly similar properties. This amino acid position is not well conserved in available vertebrate species. In addition, this alteration is predicted to be tolerated by in silico analysis. Since supporting evidence is limited at this time, the clinical significance of this alteration remains unclear.

Labcorp Genetics (formerly Invitae), Labcorp
Classification: Uncertain significance for Hereditary cancer-predisposing syndrome. Last evaluated: 2025-07-14. Review status: criteria provided, single submitter. Criteria: Invitae Variant Classification Sherloc (09022015). Collection method: clinical testing. Allele origin: germline.
Comment: This sequence change replaces serine, which is neutral and polar, with asparagine, which is neutral and polar, at codon 1153 of the RAD50 protein (p.Ser1153Asn). This variant is present in population databases (no rsID available, gnomAD 0.01%). This variant has not been reported in the literature in individuals affected with RAD50-related conditions. ClinVar contains an entry for this variant (Variation ID: 858176). Invitae Evidence Modeling of protein sequence and biophysical properties (such as structural, functional, and spatial information, amino acid conservation, physicochemical variation, residue mobility, and thermodynamic stability) indicates that this missense variant is not expected to disrupt RAD50 protein function with a negative predictive value of 80%. In summary, the available evidence is currently insufficient to determine the role of this variant in disease. Therefore, it has been classified as a Variant of Uncertain Significance.

NM_005732.4(RAD50):c.3458G>A (p.Ser1153Asn)

Genes: TH2LCRR (T helper type 2 locus control region associated RNA; minus strand), RAD50 (RAD50 double strand break repair protein; plus strand), TH2-LCR (Th2 cytokine locus control region; plus strand). Cytogenetic location: 5q31.1.
Variant type: single nucleotide variant.
Coding change: c.3458G>A on transcript NM_005732.4 (MANE Select); coding-DNA position 3458, G replaced by A.
Protein change: p.Ser1153Asn; replaces serine 1153 with asparagine.
Molecular consequence: missense variant.
Genome position (GRCh38, 1-based): chr5:132,637,183, G>A. VCF-style: chr5-132637183-G-A. GRCh37 (hg19) VCF-style: chr5-131972875-G-A.
Other names: short protein forms S1153N.
Identifiers: ClinVar variation 858176 (VCV000858176.13), dbSNP rs1411967321, ClinGen allele CA360930410.
Genomic context (GRCh38, chr5:132,637,183, plus strand): 5'-TGAAATTTCACAGTATGAAAATGGAAGAAATCAATAAAATTATACGTGACCTGTGGCGAA[G>A]TACCTATCGTGGACAAGGTGAGTACCATGGTGTATCACAAATGCTCTTTCCAAAGCCCTC-3'
Protein context (NP_005723.2, residues 1143-1163): INKIIRDLWR[Ser1153Asn]TYRGQDIEYI